The following is an entry in ClinVar:

NM_001791.4(CDC42):c.179-32_202dup

Gene: CDC42 (cell division cycle 42; plus strand). Cytogenetic location: 1p36.12.
Variant type: Duplication.
Coding change: c.179-32_202dup on transcript NM_001791.4 (MANE Select); 32 bases into the intron before coding-DNA position 179 through coding-DNA position 202, 56 bases duplicated.
Molecular consequence: splice acceptor variant.
Genome position (GRCh38, 1-based): chr1:22,086,407-22,086,462, 56 bases duplicated. GRCh37 (hg19): chr1:22,412,900-22,412,955.
Other names: c.179-32_202dup (NM_001039802.2, NM_044472.3).
Identifiers: ClinVar variation 3670246 (VCV003670246.2).

ClinVar aggregate classification (germline): Uncertain significance (1 of 4 stars; one submission).

Submission:

Labcorp Genetics (formerly Invitae), Labcorp
Classification: Uncertain significance. Last evaluated: 2025-08-15. Review status: criteria provided, single submitter. Criteria: Invitae Variant Classification Sherloc (09022015). Collection method: clinical testing. Allele origin: germline.
Comment: This sequence change falls in intron 3 of the CDC42 gene. It does not directly change the encoded amino acid sequence of the CDC42 protein. This variant is present in population databases (no rsID available, gnomAD 0.03%). This variant has not been reported in the literature in individuals affected with CDC42-related conditions. This variant is also known as p.Arg68Leufs*11. ClinVar contains an entry for this variant (Variation ID: 3670246). Experimental studies and prediction algorithms are not available or were not evaluated, and the effect of this variant on mRNA splicing is currently unknown. In summary, the available evidence is currently insufficient to determine the role of this variant in disease. Therefore, it has been classified as a Variant of Uncertain Significance.